The following is an entry in ClinVar:

ClinVar aggregate classification (germline): Conflicting classifications of pathogenicity. Review status: criteria provided, conflicting classifications (1 of 4 stars). 2 submissions from 2 submitters: Uncertain significance (1); Benign (1). Last evaluated 2025-09-09.

Conditions:
Hereditary cancer-predisposing syndrome. Also called: Neoplastic Syndromes, Hereditary; Hereditary Cancer Syndrome; Hereditary neoplastic syndrome; Tumor predisposition. Identifiers: Orphanet 140162, MedGen C0027672, MeSH D009386, MONDO:0015356.
Familial adenomatous polyposis 2. Also called: MUTYH-associated polyposis; MUTYH-related attenuated familial adenomatous polyposis; COLORECTAL ADENOMATOUS POLYPOSIS, AUTOSOMAL RECESSIVE; ADENOMAS, MULTIPLE COLORECTAL, AUTOSOMAL RECESSIVE; FAP type 2; MUTYH Polyposis. Identifiers: Orphanet 220460, Orphanet 247798, MedGen C3272841, MONDO:0012041, OMIM 608456.

Submissions (2):

Ambry Genetics
Classification: Benign for Hereditary cancer-predisposing syndrome. Last evaluated: 2025-09-09. Review status: criteria provided, single submitter. Criteria: Ambry Variant Classification Scheme 2023. Collection method: clinical testing. Allele origin: germline.

Labcorp Genetics (formerly Invitae), Labcorp
Classification: Uncertain significance for Familial adenomatous polyposis 2. Last evaluated: 2023-11-24. Review status: criteria provided, single submitter. Criteria: Invitae Variant Classification Sherloc (09022015). Collection method: clinical testing. Allele origin: germline.
Comment: This sequence change replaces alanine, which is neutral and non-polar, with glycine, which is neutral and non-polar, at codon 428 of the MUTYH protein (p.Ala428Gly). This variant is not present in population databases (gnomAD no frequency). This variant has not been reported in the literature in individuals affected with MUTYH-related conditions. ClinVar contains an entry for this variant (Variation ID: 1523798). An algorithm developed to predict the effect of missense changes on protein structure and function (PolyPhen-2) suggests that this variant is likely to be tolerated. In summary, the available evidence is currently insufficient to determine the role of this variant in disease. Therefore, it has been classified as a Variant of Uncertain Significance.

NM_001048174.2(MUTYH):c.1199C>G (p.Ala400Gly)

Gene: MUTYH (mutY DNA glycosylase; minus strand). Cytogenetic location: 1p34.1.
Variant type: single nucleotide variant.
Coding change: c.1199C>G on transcript NM_001048174.2 (MANE Select); coding-DNA position 1199, C replaced by G.
Protein change: p.Ala400Gly; replaces alanine 400 with glycine.
Molecular consequence: missense variant. On other transcripts: non-coding transcript variant (2).
Genome position (GRCh38, 1-based): chr1:45,331,460, G>C on the plus strand (C>G on the coding strand, the complement: MUTYH is on the minus strand). VCF-style: chr1-45331460-G-C. GRCh37 (hg19) VCF-style: chr1-45797132-G-C.
Other names: c.1199C>G, p.Ala400Gly (NM_001048171.2, NM_001048173.2, NM_001293195.2); c.1202C>G, p.Ala401Gly (NM_001048172.2); c.1283C>G, p.Ala428Gly (NM_001128425.2); c.1244C>G, p.Ala415Gly (NM_001293190.2); c.1232C>G, p.Ala411Gly (NM_001293191.2); c.923C>G, p.Ala308Gly (NM_001293192.2, NM_001293196.2); c.854C>G, p.Ala285Gly (NM_001350650.2, NM_001350651.2); c.1274C>G, p.Ala425Gly (NM_012222.3); short protein forms A285G, A308G, A401G, A425G, A400G, A411G, A415G, A428G.
Identifiers: ClinVar variation 1523798 (VCV001523798.10), dbSNP rs1060501326, ClinGen allele CA340132896.